The following is an entry in ClinVar:

ClinVar aggregate classification (germline): Uncertain significance (1 of 4 stars; one submission).

Allele frequency attached by ClinVar (database versions not stated): gnomAD 0.00006; TOPMed 0.00008; ExAC 0.00018.
gnomAD v4.1: 65 of 1,610,764 alleles (0.004%); highest among the groups gnomAD compares: Admixed American, 0.099%; 1 homozygote.

Submission:

Labcorp Genetics (formerly Invitae), Labcorp
Classification: Uncertain significance. Last evaluated: 2023-07-07. Review status: criteria provided, single submitter. Criteria: Invitae Variant Classification Sherloc (09022015). Collection method: clinical testing. Allele origin: germline.
Comment: This sequence change replaces glycine, which is neutral and non-polar, with arginine, which is basic and polar, at codon 90 of the SNX14 protein (p.Gly90Arg). In summary, the available evidence is currently insufficient to determine the role of this variant in disease. Therefore, it has been classified as a Variant of Uncertain Significance. An algorithm developed to predict the effect of missense changes on protein structure and function (PolyPhen-2) suggests that this variant¬†is likely to be tolerated. ClinVar contains an entry for this variant (Variation ID: 2074903). This variant has not been reported in the literature in individuals affected with SNX14-related conditions. This variant is present in population databases (rs765869266, gnomAD 0.1%).

NM_153816.6(SNX14):c.268G>A (p.Gly90Arg)

Gene: SNX14 (sorting nexin 14; minus strand). Cytogenetic location: 6q14.3.
Variant type: single nucleotide variant.
Coding change: c.268G>A on transcript NM_153816.6 (MANE Select); coding-DNA position 268, G replaced by A.
Protein change: p.Gly90Arg; replaces glycine 90 with arginine.
Molecular consequence: missense variant. On other transcripts: 5 prime UTR variant (9), non-coding transcript variant (6).
Genome position (GRCh38, 1-based): chr6:85,572,368, C>T on the plus strand (G>A on the coding strand, the complement: SNX14 is on the minus strand). VCF-style: chr6-85572368-C-T. GRCh37 (hg19) VCF-style: chr6-86282086-C-T.
Other names: c.268G>A, p.Gly90Arg (NM_001297614.3, NM_001350536.2, NM_001350538.2 and 3 more transcripts); c.112G>A, p.Gly38Arg (NM_001304479.2, NM_001350542.2, NM_001350544.2); c.331G>A, p.Gly111Arg (NM_001350532.2); c.265G>A, p.Gly89Arg (NM_001350533.2, NM_001350534.2, NM_001350535.2 and 1 more transcripts); c.109G>A, p.Gly37Arg (NM_001350539.2, NM_001350543.2); c.-133G>A (NM_001350545.2, NM_001350546.2); c.-698G>A (NM_001350547.2); c.-752G>A (NM_001350548.2); and 3 more; short protein forms G89R, G111R, G37R, G38R, G90R.
Identifiers: ClinVar variation 2074903 (VCV002074903.2), dbSNP rs765869266, ClinGen allele CA3912487.
Genomic context (GRCh38, chr6:85,572,368, plus strand): 5'-TACATTTCACTTTACCACAAACAGCACAGCTATGACCTTGAGGAAATAATTCCTGAAGTC[C>T]TAACTGCTAAAAAAGGAAAATGAGAGGTGGTGGGGAGATCCATCTTTACATAACATCTTT-3'
Protein context (NP_722523.1, residues 80-100): FTIKYKPKQL[Gly90Arg]LQELFPQGHS